The following is an entry in ClinVar:

ClinVar aggregate classification (germline): Uncertain significance (1 of 4 stars; one submission).

Conditions:
Singleton-Merten syndrome 1 (SGMRT1). Also called: Widened medullary cavities of bone, aortic calcification, abnormal dentition, and muscular weakness; Syndrome of widened medullary cavities of the metacarpals and phalanges, aortic calcification and abnormal dentition. Identifiers: Orphanet 85191, MedGen C4225427, MONDO:0024535, OMIM 182250.
Aicardi-Goutieres syndrome 7 (AGS7). Identifiers: Orphanet 51, MedGen C3888244, MONDO:0014367, OMIM 615846.

Submission:

Labcorp Genetics (formerly Invitae), Labcorp
Classification: Uncertain significance for Aicardi-Goutieres syndrome 7; Singleton-Merten syndrome 1. Last evaluated: 2023-05-22. Review status: criteria provided, single submitter. Criteria: Invitae Variant Classification Sherloc (09022015). Collection method: clinical testing. Allele origin: germline.
Comment: In summary, the available evidence is currently insufficient to determine the role of this variant in disease. Therefore, it has been classified as a Variant of Uncertain Significance. Advanced modeling of protein sequence and biophysical properties (such as structural, functional, and spatial information, amino acid conservation, physicochemical variation, residue mobility, and thermodynamic stability) has been performed at Invitae for this missense variant, however the output from this modeling did not meet the statistical confidence thresholds required to predict the impact of this variant on IFIH1 protein function. ClinVar contains an entry for this variant (Variation ID: 1471475). This variant has not been reported in the literature in individuals affected with IFIH1-related conditions. This variant is not present in population databases (gnomAD no frequency). This sequence change replaces arginine, which is basic and polar, with proline, which is neutral and non-polar, at codon 850 of the IFIH1 protein (p.Arg850Pro).

NM_022168.4(IFIH1):c.2549G>C (p.Arg850Pro)

Gene: IFIH1 (interferon induced with helicase C domain 1; minus strand). Cytogenetic location: 2q24.2.
Variant type: single nucleotide variant.
Coding change: c.2549G>C on transcript NM_022168.4 (MANE Select); coding-DNA position 2549, G replaced by C.
Protein change: p.Arg850Pro; replaces arginine 850 with proline.
Molecular consequence: missense variant.
Genome position (GRCh38, 1-based): chr2:162,272,293, C>G on the plus strand (G>C on the coding strand, the complement: IFIH1 is on the minus strand). VCF-style: chr2-162272293-C-G. GRCh37 (hg19) VCF-style: chr2-163128803-C-G.
Other names: short protein forms R850P.
Identifiers: ClinVar variation 1471475 (VCV001471475.6), dbSNP rs370618144, ClinGen allele CA348994159.